The following is an entry in ClinVar:

ClinVar aggregate classification (germline): Likely benign (0 of 4 stars; one submission).

Conditions:
NIPA2-related disorder. Also called: NIPA2-related condition.

Allele frequency attached by ClinVar (database versions not stated): gnomAD exomes 0.00001.
gnomAD v4.1: 15 of 1,613,810 alleles (0.00093%); highest among the groups gnomAD compares: East Asian, 0.013%; no homozygotes.

Submission:

PreventionGenetics, part of Exact Sciences
Classification: Likely benign for NIPA2-related condition. Last evaluated: 2019-04-26. Review status: no assertion criteria provided. Collection method: clinical testing. Allele origin: germline.
Comment: This variant is classified as likely benign based on ACMG/AMP sequence variant interpretation guidelines (Richards et al. 2015 PMID: 25741868, with internal and published modifications).

NM_030922.7(NIPA2):c.501C>T (p.Phe167=)

Gene: NIPA2 (NIPA magnesium transporter 2; plus strand). Cytogenetic location: 15q11.2.
Variant type: single nucleotide variant.
Coding change: c.501C>T on transcript NM_030922.7 (MANE Select); coding-DNA position 501, C replaced by T.
Protein change: p.Phe167=; no amino-acid change (phenylalanine 167 retained).
Molecular consequence: synonymous variant.
Genome position (GRCh38, 1-based): chr15:22,866,265, C>T. VCF-style: chr15-22866265-C-T. GRCh37 (hg19) VCF-style: chr15-23006803-G-A.
Other names: c.501C>T, p.Phe167= (NM_001008860.3, NM_001008892.3, NM_001184889.2); c.444C>T, p.Phe148= (NM_001008894.3, NM_001184888.2).
Identifiers: ClinVar variation 3058408 (VCV003058408.2), dbSNP rs370086331, ClinGen allele CA267583152.